The following is an entry in ClinVar:

ClinVar aggregate classification (germline): Uncertain significance. Review status: criteria provided, multiple submitters, no conflicts (2 of 4 stars). 4 submissions from 3 submitters: Uncertain significance (4). Last evaluated 2025-02-11.

Conditions:
ALS2-related disorder. Also called: ALS2-Related Spectrum Disorders; ALS2-related disorders; ALS2-related condition. Identifiers: MedGen CN169291.
Infantile-onset ascending hereditary spastic paralysis (IAHSP). Also called: Autosomal Recessive Juvenile Amyotrophic Lateral Sclerosis; Infantile-Onset Ascending Hereditary Spastic Paralysis (IAHSP). Identifiers: Orphanet 293168, MedGen C2931441, MONDO:0011797, OMIM 607225. Disease mechanism: loss of function.
Amyotrophic lateral sclerosis type 2, juvenile. Also called: Amyotrophic lateral sclerosis type 2; ALS, JUVENILE. Identifiers: Orphanet 300605, MedGen C1859807, MONDO:0008780, OMIM 205100.

Allele frequency attached by ClinVar (database versions not stated): TOPMed below 0.00001; gnomAD 0.00001; gnomAD exomes 0.00001.
gnomAD v4.1: 5 of 1,613,896 alleles (0.00031%); highest among the groups gnomAD compares: Admixed American, 0.0083%; no homozygotes.

Submissions (4):

PreventionGenetics, part of Exact Sciences
Classification: Uncertain significance for ALS2-related condition. Last evaluated: 2025-02-11. Review status: criteria provided, single submitter. Criteria: ACMG Guidelines, 2015. Collection method: clinical testing. Allele origin: germline.
Comment: The ALS2 c.2362T>A variant is predicted to result in the amino acid substitution p.Ser788Thr. To our knowledge, this variant has not been reported in the literature. This variant is reported in 0.0085% of alleles in individuals of Latino descent in gnomAD. At this time, the clinical significance of this variant is uncertain due to the absence of conclusive functional and genetic evidence.

Labcorp Genetics (formerly Invitae), Labcorp
Classification: Uncertain significance for Infantile-onset ascending hereditary spastic paralysis. Last evaluated: 2021-08-31. Review status: criteria provided, single submitter. Criteria: Invitae Variant Classification Sherloc (09022015). Collection method: clinical testing. Allele origin: germline.
Comment: This sequence change replaces serine with threonine at codon 788 of the ALS2 protein (p.Ser788Thr). The serine residue is moderately conserved and there is a small physicochemical difference between serine and threonine. This variant is not present in population databases (ExAC no frequency). This variant has not been reported in the literature in individuals affected with ALS2-related conditions. ClinVar contains an entry for this variant (Variation ID: 896567). Algorithms developed to predict the effect of missense changes on protein structure and function are either unavailable or do not agree on the potential impact of this missense change (SIFT: "Deleterious"; PolyPhen-2: "Benign"; Align-GVGD: "Class C0"). In summary, the available evidence is currently insufficient to determine the role of this variant in disease. Therefore, it has been classified as a Variant of Uncertain Significance.

Illumina Laboratory Services, Illumina
Classification: Uncertain significance for ALS2-Related Disorders. Last evaluated: 2018-01-12. Review status: criteria provided, single submitter. Criteria: ICSL Variant Classification Criteria 13 December 2019. Collection method: clinical testing. Allele origin: germline.

Illumina Laboratory Services, Illumina
Classification: Uncertain significance for Amyotrophic lateral sclerosis type 2. Last evaluated: 2018-01-12. Review status: criteria provided, single submitter. Criteria: ICSL Variant Classification Criteria 13 December 2019. Collection method: clinical testing. Allele origin: germline.

NM_020919.4(ALS2):c.2362T>A (p.Ser788Thr)

Gene: ALS2 (alsin Rho guanine nucleotide exchange factor ALS2; minus strand). Cytogenetic location: 2q33.1.
Variant type: single nucleotide variant.
Coding change: c.2362T>A on transcript NM_020919.4 (MANE Select); coding-DNA position 2362, T replaced by A.
Protein change: p.Ser788Thr; replaces serine 788 with threonine.
Molecular consequence: missense variant.
Genome position (GRCh38, 1-based): chr2:201,738,725, A>T on the plus strand (T>A on the coding strand, the complement: ALS2 is on the minus strand). VCF-style: chr2-201738725-A-T. GRCh37 (hg19) VCF-style: chr2-202603448-A-T.
Other names: short protein forms S788T.
Identifiers: ClinVar variation 896567 (VCV000896567.9), dbSNP rs1184685995, ClinGen allele CA350324437.